The following is an entry in ClinVar:

ClinVar aggregate classification (germline): Pathogenic (1 of 4 stars; one submission).

Submission:

GeneDx
Classification: Pathogenic. Last evaluated: 2023-06-22. Review status: criteria provided, single submitter. Criteria: GeneDx Variant Classification Process June 2021. Collection method: clinical testing. Allele origin: germline. Affected: yes.
Comment: Not observed at significant frequency in large population cohorts (gnomAD); In silico analysis supports that this missense variant has a deleterious effect on protein structure/function; Has not been previously published as pathogenic or benign to our knowledge

NM_001356.5(DDX3X):c.1091T>G (p.Ile364Arg)

Gene: DDX3X (DEAD-box helicase 3 X-linked; plus strand). Cytogenetic location: Xp11.4.
Variant type: single nucleotide variant.
Coding change: c.1091T>G on transcript NM_001356.5 (MANE Select); coding-DNA position 1091, T replaced by G.
Protein change: p.Ile364Arg; replaces isoleucine 364 with arginine.
Molecular consequence: missense variant. On other transcripts: non-coding transcript variant (1).
Genome position (GRCh38, 1-based): chrX:41,345,245, T>G. VCF-style: chrX-41345245-T-G. GRCh37 (hg19) VCF-style: chrX-41204498-T-G.
Other names: c.1091T>G, p.Ile364Arg (NM_001193416.3); c.1043T>G, p.Ile348Arg (NM_001193417.3); c.533T>G, p.Ile178Arg (NM_001363819.1); short protein forms I178R, I348R, I364R.
Identifiers: ClinVar variation 1691603 (VCV001691603.4), dbSNP rs2147356235, ClinGen allele CA412771375.